The following is an entry in ClinVar:

NM_000455.5(STK11):c.1280T>A (p.Leu427Gln)

Gene: STK11 (serine/threonine kinase 11; plus strand). Cytogenetic location: 19p13.3.
Variant type: single nucleotide variant.
Coding change: c.1280T>A on transcript NM_000455.5 (MANE Select); coding-DNA position 1280, T replaced by A.
Protein change: p.Leu427Gln; replaces leucine 427 with glutamine.
Molecular consequence: missense variant. On other transcripts: non-coding transcript variant (1).
Genome position (GRCh38, 1-based): chr19:1,226,625, T>A. VCF-style: chr19-1226625-T-A. GRCh37 (hg19) VCF-style: chr19-1226624-T-A.
Other names: short protein forms L427Q.
Identifiers: ClinVar variation 4865196 (VCV004865196.1).

ClinVar aggregate classification (germline): Uncertain significance (1 of 4 stars; one submission).

Conditions:
Hereditary cancer-predisposing syndrome. Also called: Neoplastic Syndromes, Hereditary; Tumor predisposition; Hereditary Cancer Syndrome; Hereditary neoplastic syndrome. Identifiers: Orphanet 140162, MedGen C0027672, MeSH D009386, MONDO:0015356.

Submission:

Ambry Genetics
Classification: Uncertain significance for Hereditary cancer-predisposing syndrome. Last evaluated: 2026-04-02. Review status: criteria provided, single submitter. Criteria: Ambry Variant Classification Scheme 2023. Collection method: clinical testing. Allele origin: germline.
Comment: The p.L427Q variant (also known as c.1280T>A), located in coding exon 9 of the STK11 gene, results from a T to A substitution at nucleotide position 1280. The leucine at codon 427 is replaced by glutamine, an amino acid with dissimilar properties. This amino acid position is conserved. In addition, the in silico prediction for this alteration is inconclusive. Based on the available evidence, the clinical significance of this variant remains unclear.